The following is an entry in ClinVar:

NM_000702.4(ATP1A2):c.1228G>A (p.Asp410Asn)

Gene: ATP1A2 (ATPase Na+/K+ transporting subunit alpha 2; plus strand). Cytogenetic location: 1q23.2.
Variant type: single nucleotide variant.
Coding change: c.1228G>A on transcript NM_000702.4 (MANE Select); coding-DNA position 1228, G replaced by A.
Protein change: p.Asp410Asn; replaces aspartic acid 410 with asparagine.
Molecular consequence: missense variant.
Genome position (GRCh38, 1-based): chr1:160,128,991, G>A. VCF-style: chr1-160128991-G-A. GRCh37 (hg19) VCF-style: chr1-160098781-G-A.
Other names: short protein forms D410N.
Identifiers: ClinVar variation 1468678 (VCV001468678.8), dbSNP rs2101989431, ClinGen allele CA343240103.

ClinVar aggregate classification (germline): Uncertain significance (1 of 4 stars; one submission).

Conditions:
Familial hemiplegic migraine. Identifiers: MedGen C0338484, MONDO:0000700.

Submission:

Labcorp Genetics (formerly Invitae), Labcorp
Classification: Uncertain significance for Familial hemiplegic migraine. Last evaluated: 2022-08-23. Review status: criteria provided, single submitter. Criteria: Invitae Variant Classification Sherloc (09022015). Collection method: clinical testing. Allele origin: germline.
Comment: This sequence change replaces aspartic acid, which is acidic and polar, with asparagine, which is neutral and polar, at codon 410 of the ATP1A2 protein (p.Asp410Asn). In summary, the available evidence is currently insufficient to determine the role of this variant in disease. Therefore, it has been classified as a Variant of Uncertain Significance. Advanced modeling of protein sequence and biophysical properties (such as structural, functional, and spatial information, amino acid conservation, physicochemical variation, residue mobility, and thermodynamic stability) performed at Invitae indicates that this missense variant is not expected to disrupt ATP1A2 protein function. ClinVar contains an entry for this variant (Variation ID: 1468678). This variant has not been reported in the literature in individuals affected with ATP1A2-related conditions. This variant is not present in population databases (gnomAD no frequency).